The following is an entry in ClinVar:

NM_004612.4(TGFBR1):c.1008A>G (p.Ser336=)

Gene: TGFBR1 (transforming growth factor beta receptor 1; plus strand). Cytogenetic location: 9q22.33.
Variant type: single nucleotide variant.
Coding change: c.1008A>G on transcript NM_004612.4 (MANE Select); coding-DNA position 1008, A replaced by G.
Protein change: p.Ser336=; no amino-acid change (serine 336 retained).
Molecular consequence: synonymous variant.
Genome position (GRCh38, 1-based): chr9:99,144,766, A>G. VCF-style: chr9-99144766-A-G. GRCh37 (hg19) VCF-style: chr9-101907048-A-G.
Other names: c.777A>G, p.Ser259= (NM_001130916.3); c.1020A>G, p.Ser340= (NM_001306210.2); c.1008A>G (NM_004612.2, NM_004612.3).
Identifiers: ClinVar variation 922822 (VCV000922822.16), dbSNP rs761512764, ClinGen allele CA043760.

ClinVar aggregate classification (germline): Likely benign. Review status: criteria provided, multiple submitters, no conflicts (2 of 4 stars). 5 submissions from 5 submitters: Likely benign (4). 1 of the submissions does not count toward it. Last evaluated 2025-12-02.

Conditions:
Loeys-Dietz syndrome (LDS). Identifiers: Orphanet 60030, MedGen C2697932, MONDO:0018954.
TGFBR1-related disorder. Also called: TGFBR1-related condition.
Familial thoracic aortic aneurysm and aortic dissection (TAAD). Also called: Thoracic aortic aneurysms and dissections. Identifiers: Orphanet 91387, MedGen C4707243, MONDO:0019625.

Allele frequency attached by ClinVar (database versions not stated): gnomAD 0.00001; gnomAD exomes 0.00001 and 0.00002; TOPMed 0.00001; ExAC 0.00002.

Submissions (5):

Labcorp Genetics (formerly Invitae), Labcorp
Classification: Likely benign for Familial thoracic aortic aneurysm and aortic dissection. Last evaluated: 2025-12-02. Review status: criteria provided, single submitter. Criteria: Invitae Variant Classification Sherloc (09022015). Collection method: clinical testing. Allele origin: germline.

All of Us Research Program, National Institutes of Health
Classification: Likely benign for Loeys-Dietz syndrome. Last evaluated: 2023-10-02. Review status: criteria provided, single submitter. Criteria: ACMG Guidelines, 2015. Collection method: clinical testing. Allele origin: germline. Inheritance: Autosomal dominant inheritance. Observed: 2 variant alleles, 2 heterozygotes.
Comment: This study involves interpretation of variants in research participants for the purpose of population health screening. Participant phenotype was not available at the time of variant classification. Additional details can be found in publication PMID: 35346344, PMCID: PMC8962531

Ambry Genetics
Classification: Likely benign for Familial thoracic aortic aneurysm and aortic dissection. Last evaluated: 2023-05-15. Review status: criteria provided, single submitter. Criteria: Ambry Variant Classification Scheme 2023. Collection method: clinical testing. Allele origin: germline.

Color Diagnostics, LLC DBA Color Health
Classification: Likely benign for Familial thoracic aortic aneurysm and aortic dissection. Last evaluated: 2019-03-22. Review status: criteria provided, single submitter. Criteria: ACMG Guidelines, 2015. Collection method: clinical testing. Allele origin: germline.

PreventionGenetics, part of Exact Sciences
Classification: Likely benign for TGFBR1-related condition. Last evaluated: 2019-07-30. Review status: no assertion criteria provided. Collection method: clinical testing. Allele origin: germline. Not counted in ClinVar's aggregate classification.
Comment: This variant is classified as likely benign based on ACMG/AMP sequence variant interpretation guidelines (Richards et al. 2015 PMID: 25741868, with internal and published modifications).